The following is an entry in ClinVar:

ClinVar aggregate classification (germline): Uncertain significance (1 of 4 stars; one submission).

Submission:

GeneDx
Classification: Uncertain significance. Last evaluated: 2023-02-09. Review status: criteria provided, single submitter. Criteria: GeneDx Variant Classification Process June 2021. Collection method: clinical testing. Allele origin: germline. Affected: yes.
Comment: Not observed at significant frequency in large population cohorts (gnomAD); Nucleotide substitution has no predicted effect on splicing and is not conserved across species; Has not been previously published as pathogenic or benign to our knowledge

NM_000077.5(CDKN2A):c.-3A>C

Genes: CDKN2A (cyclin dependent kinase inhibitor 2A; minus strand), LOC130001603 (ATAC-STARR-seq lymphoblastoid silent region 19811; plus strand). Cytogenetic location: 9p21.3.
Variant type: single nucleotide variant.
Coding change: c.-3A>C on transcript NM_000077.5; 3 bases upstream of the start codon, A replaced by C.
Molecular consequence: 5 prime UTR variant (on NM_001195132.2). On other transcripts: intron variant (2).
Genome position (GRCh38, 1-based): chr9:21,974,830, T>G on the plus strand (A>C on the coding strand, the complement: CDKN2A is on the minus strand). VCF-style: chr9-21974830-T-G. GRCh37 (hg19) VCF-style: chr9-21974829-T-G.
Other names: c.-3A>C (NM_000077.6, NM_001195132.2, NM_058197.5); c.-3-3622A>C (NM_001363763.2); c.194-3622A>C (NM_058195.4).
Identifiers: ClinVar variation 2575599 (VCV002575599.1), dbSNP rs2131114340, ClinGen allele CA2580616165.